The following is an entry in ClinVar:

NM_001103.4(ACTN2):c.1256G>A (p.Gly419Asp)

Gene: ACTN2 (actinin alpha 2; plus strand). Cytogenetic location: 1q43.
Variant type: single nucleotide variant.
Coding change: c.1256G>A on transcript NM_001103.4 (MANE Select); coding-DNA position 1256, G replaced by A.
Protein change: p.Gly419Asp; replaces glycine 419 with aspartic acid.
Molecular consequence: missense variant. On other transcripts: non-coding transcript variant (1).
Genome position (GRCh38, 1-based): chr1:236,744,626, G>A. VCF-style: chr1-236744626-G-A. GRCh37 (hg19) VCF-style: chr1-236907926-G-A.
Other names: c.1256G>A, p.Gly419Asp (NM_001278343.2); short protein forms G419D.
Identifiers: ClinVar variation 4844182 (VCV004844182.1).
Genomic context (GRCh38, chr1:236,744,626, plus strand): 5'-GGCATGAGGAAGCCGCTGTGCCCTCAGCATATTCATACTTTCTTGCTACCACCTTTGCAG[G>A]CAAAGAGCAGATCTTGCTGCAGAAGGATTACGAGTCGGCGTCGCTGACAGAGGTGCGGGC-3'
Protein context (NP_001094.1, residues 409-429): KASTHETWAY[Gly419Asp]KEQILLQKDY

ClinVar aggregate classification (germline): Uncertain significance (1 of 4 stars; one submission).

Conditions:
Cardiovascular phenotype. Identifiers: MedGen CN230736.

Submission:

Ambry Genetics
Classification: Uncertain significance for Cardiovascular phenotype. Last evaluated: 2026-01-24. Review status: criteria provided, single submitter. Criteria: Ambry Variant Classification Scheme 2023. Collection method: clinical testing. Allele origin: germline.
Comment: The p.G419D variant (also known as c.1256G>A) is located in coding exon 12 of the ACTN2 gene. The glycine at codon 419 is replaced by aspartic acid, an amino acid with similar properties. This change occurs in the first base pair of coding exon 12. This amino acid position is conserved. In addition, this alteration is predicted to be deleterious by in silico analysis. Based on the available evidence, the clinical significance of this variant remains unclear.